The following is an entry in ClinVar:

ClinVar aggregate classification (germline): Uncertain significance. Review status: criteria provided, multiple submitters, no conflicts (2 of 4 stars). 2 submissions from 2 submitters: Uncertain significance (2). Last evaluated 2023-04-13.

Conditions:
Deficiency of adenosine deaminase 2. Also called: Polyarteritis nodosa, childhoood-onset; Adenosine Deaminase 2 Deficiency; VASCULITIS, AUTOINFLAMMATION, IMMUNODEFICIENCY, AND HEMATOLOGIC DEFECTS SYNDROME. Identifiers: Orphanet 404553, MedGen C3887654, MONDO:0014306, OMIM 615688, MONDO:0100317.

Allele frequency attached by ClinVar (database versions not stated): gnomAD exomes below 0.00001; ExAC 0.00001; 1000 Genomes Project 30x 0.00016; 1000 Genomes Project 0.00020.
gnomAD v4.1: 5 of 1,613,950 alleles (0.00031%); highest among the groups gnomAD compares: African/African-American, 0.004%; no homozygotes.

Submissions (2):

Blueprint Genetics
Classification: Uncertain significance. Last evaluated: 2023-04-13. Review status: criteria provided, single submitter. Criteria: ACMG Guidelines, 2015. Collection method: clinical testing. Allele origin: germline.

Labcorp Genetics (formerly Invitae), Labcorp
Classification: Uncertain significance for Deficiency of adenosine deaminase 2. Last evaluated: 2020-11-05. Review status: criteria provided, single submitter. Criteria: Invitae Variant Classification Sherloc (09022015). Collection method: clinical testing. Allele origin: germline.
Comment: This sequence change replaces alanine with valine at codon 89 of the ADA2 protein (p.Ala89Val). The alanine residue is highly conserved and there is a small physicochemical difference between alanine and valine. This variant is present in population databases (rs548766340, ExAC 0.01%). This variant has not been reported in the literature in individuals with ADA2-related conditions. Algorithms developed to predict the effect of missense changes on protein structure and function are either unavailable or do not agree on the potential impact of this missense change (SIFT: "Deleterious"; PolyPhen-2: "Benign"; Align-GVGD: "Class C0"). Algorithms developed to predict the effect of sequence changes on RNA splicing suggest that this variant may create or strengthen a splice site, but this prediction has not been confirmed by published transcriptional studies. In summary, the available evidence is currently insufficient to determine the role of this variant in disease. Therefore, it has been classified as a Variant of Uncertain Significance.

NM_001282225.2(ADA2):c.266C>T (p.Ala89Val)

Gene: ADA2 (adenosine deaminase 2; minus strand). Cytogenetic location: 22q11.1.
Variant type: single nucleotide variant.
Coding change: c.266C>T on transcript NM_001282225.2 (MANE Select); coding-DNA position 266, C replaced by T.
Protein change: p.Ala89Val; replaces alanine 89 with valine.
Molecular consequence: missense variant. On other transcripts: intron variant (1).
Genome position (GRCh38, 1-based): chr22:17,209,412, G>A on the plus strand (C>T on the coding strand, the complement: ADA2 is on the minus strand). VCF-style: chr22-17209412-G-A. GRCh37 (hg19) VCF-style: chr22-17690302-G-A.
Other names: c.266C>T, p.Ala89Val (NM_001282226.2); c.140C>T, p.Ala47Val (NM_001282227.2, NM_001282228.2); c.-38-2122C>T (NM_001282229.2); short protein forms A47V, A89V.
Identifiers: ClinVar variation 1514275 (VCV001514275.9), dbSNP rs548766340, ClinGen allele CA10088292.